The following is an entry in ClinVar:

ClinVar aggregate classification (germline): Uncertain significance (1 of 4 stars; one submission).

Conditions:
Multiple gastrointestinal atresias. Also called: Multiple intestinal atresia; FAMILIAL INTESTINAL POLYATRESIA SYNDROME. Identifiers: Orphanet 2300, MedGen C0220744, MONDO:0009465.

Allele frequency attached by ClinVar (database versions not stated): TOPMed below 0.00001; gnomAD 0.00001.
gnomAD v4.1: 3 of 1,614,008 alleles (0.00019%); highest among the groups gnomAD compares: Non-Finnish European, 0.00025%; no homozygotes.

Submission:

Labcorp Genetics (formerly Invitae), Labcorp
Classification: Uncertain significance for Multiple gastrointestinal atresias. Last evaluated: 2018-12-25. Review status: criteria provided, single submitter. Criteria: Invitae Variant Classification Sherloc (09022015). Collection method: clinical testing. Allele origin: germline.
Comment: This sequence change replaces tyrosine with serine at codon 336 of the TTC7A protein (p.Tyr336Ser). The tyrosine residue is moderately conserved and there is a large physicochemical difference between tyrosine and serine. This variant is not present in population databases (ExAC no frequency). This variant has not been reported in the literature in individuals with TTC7A-related conditions. Algorithms developed to predict the effect of missense changes on protein structure and function are either unavailable or do not agree on the potential impact of this missense change (SIFT: "Deleterious"; PolyPhen-2: "Benign"; Align-GVGD: "Class C0"). In summary, the available evidence is currently insufficient to determine the role of this variant in disease. Therefore, it has been classified as a Variant of Uncertain Significance.

NM_020458.4(TTC7A):c.1007A>C (p.Tyr336Ser)

Gene: TTC7A (tetratricopeptide repeat domain 7A; plus strand). Cytogenetic location: 2p21.
Variant type: single nucleotide variant.
Coding change: c.1007A>C on transcript NM_020458.4 (MANE Select); coding-DNA position 1007, A replaced by C.
Protein change: p.Tyr336Ser; replaces tyrosine 336 with serine.
Molecular consequence: missense variant. On other transcripts: 5 prime UTR variant (1).
Genome position (GRCh38, 1-based): chr2:46,995,141, A>C. VCF-style: chr2-46995141-A-C. GRCh37 (hg19) VCF-style: chr2-47222280-A-C.
Other names: c.1007A>C, p.Tyr336Ser (LRG_1323t1, NM_001288951.2); c.905A>C, p.Tyr302Ser (NM_001288953.2); c.-56A>C (NM_001288955.2); short protein forms Y302S, Y336S.
Identifiers: ClinVar variation 648586 (VCV000648586.1), dbSNP rs1250983100, ClinGen allele CA346713918.
Genomic context (GRCh38, chr2:46,995,141, plus strand): 5'-GGTGCTGTCTGGTGAGGTGTGTGCTCTAGCCAGGCCTGTCATTGGTGTCTTTCAGCCTCT[A>C]CTGCCCCAAGGACAACATCGAGGAAGCCCTCCTGCTCCTCCTCATCAGCGAATCCATGGT-3'
Protein context (NP_065191.2, residues 326-346): KPHLYEGDNL[Tyr336Ser]CPKDNIEEAL